The following is an entry in ClinVar:

NM_002878.4(RAD51D):c.83-1G>A

Genes: RAD51D (RAD51 paralog D; minus strand), RAD51L3-RFFL (RAD51L3-RFFL readthrough; minus strand). Cytogenetic location: 17q12.
Variant type: single nucleotide variant.
Coding change: c.83-1G>A on transcript NM_002878.4 (MANE Select); the canonical splice acceptor site of the intron before coding-DNA position 83, G replaced by A.
Molecular consequence: splice acceptor variant.
Genome position (GRCh38, 1-based): chr17:35,119,173, C>T on the plus strand (G>A on the coding strand, the complement: RAD51D is on the minus strand). VCF-style: chr17-35119173-C-T. GRCh37 (hg19) VCF-style: chr17-33446192-C-T.
Other names: c.83-1G>A (NM_133629.3, NM_001142571.2).
Identifiers: ClinVar variation 936162 (VCV000936162.12), dbSNP rs2091789413, ClinGen allele CA399092055.

ClinVar aggregate classification (germline): Conflicting classifications of pathogenicity. Review status: criteria provided, conflicting classifications (1 of 4 stars). 4 submissions from 4 submitters: Pathogenic (1); Likely pathogenic (2); Uncertain significance (1). Last evaluated 2025-12-30.

Conditions:
Breast-ovarian cancer, familial, susceptibility to, 4. Identifiers: Orphanet 145, MedGen C3280345, MONDO:0013669, OMIM 614291.
Hereditary cancer-predisposing syndrome. Also called: Tumor predisposition; Hereditary neoplastic syndrome; Hereditary Cancer Syndrome; Neoplastic Syndromes, Hereditary. Identifiers: Orphanet 140162, MedGen C0027672, MeSH D009386, MONDO:0015356.

Submissions (4):

Ambry Genetics
Classification: Uncertain significance for Hereditary cancer-predisposing syndrome. Last evaluated: 2025-12-30. Review status: criteria provided, single submitter. Criteria: Ambry Variant Classification Scheme 2023. Collection method: clinical testing. Allele origin: germline.
Comment: The c.83-1G>A intronic variant results from a G to A substitution one nucleotide upstream from coding exon 2 of the RAD51D gene. Alterations that disrupt the canonical splice site are expected to result in aberrant splicing. In silico splice site analysis predicts that this alteration will weaken the native splice acceptor site and may result in the creation or strengthening of a novel splice acceptor site; however, direct evidence is insufficient at this time (Ambry internal data). A resulting transcript is predicted to be in-frame and is not expected to trigger nonsense-mediated mRNA decay; although, direct evidence is unavailable. This nucleotide position is highly conserved in available vertebrate species. Based on the available evidence, the clinical significance of this variant remains unclear.

GeneDx
Classification: Pathogenic. Last evaluated: 2023-12-22. Review status: criteria provided, single submitter. Criteria: GeneDx Variant Classification Process June 2021. Collection method: clinical testing. Allele origin: germline. Affected: yes.
Comment: Canonical splice site variant predicted to result in a null allele in a gene for which loss of function is a known mechanism of disease; Not observed at significant frequency in large population cohorts (gnomAD); This variant is associated with the following publications: (PMID: 33504652, 32107557)

Labcorp Genetics (formerly Invitae), Labcorp
Classification: Likely pathogenic for Breast-ovarian cancer, familial, susceptibility to, 4. Last evaluated: 2023-05-20. Review status: criteria provided, single submitter. Criteria: Invitae Variant Classification Sherloc (09022015). Collection method: clinical testing. Allele origin: germline.
Comment: This sequence change affects an acceptor splice site in intron 1 of the RAD51D gene. It is expected to disrupt RNA splicing. Variants that disrupt the donor or acceptor splice site typically lead to a loss of protein function (PMID: 16199547), and loss-of-function variants in RAD51D are known to be pathogenic (PMID: 21822267). In summary, the currently available evidence indicates that the variant is pathogenic, but additional data are needed to prove that conclusively. Therefore, this variant has been classified as Likely Pathogenic. Algorithms developed to predict the effect of sequence changes on RNA splicing suggest that this variant may disrupt the consensus splice site. ClinVar contains an entry for this variant (Variation ID: 936162). Disruption of this splice site has been observed in individual(s) with breast, ovarian, or small cell lung cancer (PMID: 32107557, 33504652). This variant is not present in population databases (gnomAD no frequency).

Color Diagnostics, LLC DBA Color Health
Classification: Likely pathogenic for Hereditary cancer-predisposing syndrome. Last evaluated: 2022-11-08. Review status: criteria provided, single submitter. Criteria: ACMG Guidelines, 2015. Collection method: clinical testing. Allele origin: germline.
Comment: This variant causes a G to A nucleotide substitution at the -1 position of intron 1 of the RAD51D gene. Splice site prediction tools predict that this variant may have a significant impact on RNA splicing. Although functional RNA studies have not been reported for this variant, it is expected to result in an absent or non-functional protein product. This variant has been reported in an individual affected with breast cancer (PMID: 33471991) and in an individual with small cell lung cancer (PMID: 33504652). This variant has not been identified in the general population by the Genome Aggregation Database (gnomAD). A different variant c.83-2A>G impacting the same splice acceptor site has been shown to result in aberrant transcripts in mini-gene assays due to the out-of-frame skipping of exons 2-5 (41.9% of the transcripts), exon 2 (39.6%), or exons 2-3 (9.6%) (PMID: 34200360). Loss of RAD51D function is a known mechanism of disease. Based on the available evidence, this variant is classified as Likely Pathogenic.

Literature cited by the submitters: PubMed 16199547 (cited by Labcorp Genetics (formerly Invitae), Labcorp); PubMed 21822267 (cited by Labcorp Genetics (formerly Invitae), Labcorp); PubMed 32107557 (cited by Labcorp Genetics (formerly Invitae), Labcorp); PubMed 33504652 (cited by Labcorp Genetics (formerly Invitae), Labcorp and Color Diagnostics, LLC DBA Color Health); PubMed 33471991 (cited by Color Diagnostics, LLC DBA Color Health); PubMed 34200360 (cited by Color Diagnostics, LLC DBA Color Health).